The following is an entry in ClinVar:

ClinVar aggregate classification (germline): Uncertain significance (1 of 4 stars; one submission).

Conditions:
Cerebellar ataxia, intellectual disability, and dysequilibrium syndrome 3 (SCAR34). Also called: SPINOCEREBELLAR ATAXIA, AUTOSOMAL RECESSIVE 34; CEREBELLAR ATAXIA AND MENTAL RETARDATION WITH OR WITHOUT QUADRUPEDAL LOCOMOTION 3. Identifiers: Orphanet 1766, MedGen C2750509, MONDO:0013188, OMIM 613227.

Submission:

3billion
Classification: Uncertain significance for Cerebellar ataxia, intellectual disability, and dysequilibrium syndrome 3. Last evaluated: 2024-12-24. Review status: criteria provided, single submitter. Criteria: ACMG Guidelines, 2015. Collection method: clinical testing. Allele origin: germline. Affected: yes.
Comment: The variant is not observed in the gnomAD v4.1.0 dataset. Predicted Consequence/Location: Missense variant In silico tool predictions suggest damaging effect of the variant on gene or gene product [REVEL: 0.90 (>=0.6, sensitivity 0.68 and specificity 0.92); 3Cnet: 0.74 (>=0.6, sensitivity 0.72 and precision 0.9)]. Therefore, this variant is classified as VUS according to the recommendation of ACMG/AMP guideline.

NM_004056.6(CA8):c.699G>T (p.Trp233Cys)

Gene: CA8 (carbonic anhydrase 8; minus strand). Cytogenetic location: 8q12.1.
Variant type: single nucleotide variant.
Coding change: c.699G>T on transcript NM_004056.6 (MANE Select); coding-DNA position 699, G replaced by T.
Protein change: p.Trp233Cys; replaces tryptophan 233 with cysteine.
Molecular consequence: missense variant. On other transcripts: non-coding transcript variant (1).
Genome position (GRCh38, 1-based): chr8:60,222,688, C>A on the plus strand (G>T on the coding strand, the complement: CA8 is on the minus strand). VCF-style: chr8-60222688-C-A. GRCh37 (hg19) VCF-style: chr8-61135247-C-A.
Other names: c.699G>T, p.Trp233Cys (NM_001321837.2, NM_001321838.2); c.603G>T, p.Trp201Cys (NM_001321839.2); short protein forms W201C, W233C.
Identifiers: ClinVar variation 4291965 (VCV004291965.1).